The following is an entry in ClinVar:

NM_006060.6(IKZF1):c.128G>T (p.Gly43Val)

Gene: IKZF1 (IKAROS family zinc finger 1; plus strand). Cytogenetic location: 7p12.2.
Variant type: single nucleotide variant.
Coding change: c.128G>T on transcript NM_006060.6 (MANE Select); coding-DNA position 128, G replaced by T.
Protein change: p.Gly43Val; replaces glycine 43 with valine.
Molecular consequence: missense variant.
Genome position (GRCh38, 1-based): chr7:50,327,725, G>T. VCF-style: chr7-50327725-G-T. GRCh37 (hg19) VCF-style: chr7-50367321-G-T.
Other names: c.128G>T, p.Gly43Val (NM_001220765.3, NM_001220767.2, NM_001220768.2 and 14 more transcripts); short protein forms G43V.
Identifiers: ClinVar variation 2003848 (VCV002003848.5), dbSNP rs1378576386, ClinGen allele CA367569466.

ClinVar aggregate classification (germline): Uncertain significance. Review status: criteria provided, multiple submitters, no conflicts (2 of 4 stars). 2 submissions from 2 submitters: Uncertain significance (2). Last evaluated 2023-11-23.

Allele frequency attached by ClinVar (database versions not stated): gnomAD exomes below 0.00001; gnomAD 0.00001; TOPMed 0.00001.
gnomAD v4.1: 7 of 1,613,438 alleles (0.00043%); highest among the groups gnomAD compares: Non-Finnish European, 0.00059%; no homozygotes.

Submissions (2):

Blueprint Genetics
Classification: Uncertain significance. Last evaluated: 2023-11-23. Review status: criteria provided, single submitter. Criteria: ACMG Guidelines, 2015. Collection method: clinical testing. Allele origin: germline.

Labcorp Genetics (formerly Invitae), Labcorp
Classification: Uncertain significance. Last evaluated: 2022-09-27. Review status: criteria provided, single submitter. Criteria: Invitae Variant Classification Sherloc (09022015). Collection method: clinical testing. Allele origin: germline.
Comment: In summary, the available evidence is currently insufficient to determine the role of this variant in disease. Therefore, it has been classified as a Variant of Uncertain Significance. Algorithms developed to predict the effect of missense changes on protein structure and function are either unavailable or do not agree on the potential impact of this missense change (SIFT: "Not Available"; PolyPhen-2: "Benign"; Align-GVGD: "Not Available"). This variant has not been reported in the literature in individuals affected with IKZF1-related conditions. This variant is not present in population databases (gnomAD no frequency). This sequence change replaces glycine, which is neutral and non-polar, with valine, which is neutral and non-polar, at codon 43 of the IKZF1 protein (p.Gly43Val).